The following is an entry in ClinVar:

NM_023110.3(FGFR1):c.165_171del (p.Arg56fs)

Gene: FGFR1 (fibroblast growth factor receptor 1; minus strand). Cytogenetic location: 8p11.23.
Variant type: Deletion.
Coding change: c.165_171del on transcript NM_023110.3 (MANE Select); coding-DNA positions 165 to 171, 7 bases deleted (TCGGCTG; older notation c.165_171delTCGGCTG).
Protein change: p.Arg56fs; shifts the reading frame from arginine 56.
Molecular consequence: frameshift variant. On other transcripts: intron variant (5).
Genome position (GRCh38, 1-based): chr8:38,429,869-38,429,875, CAGCCGA deleted on the plus strand (TCGGCTG on the coding strand, the reverse complement: FGFR1 is on the minus strand); deleting any 7 consecutive bases within chr8:38,429,869-38,429,879 gives the same sequence; the c. name uses the placement nearest the transcript's 3' end. VCF-style (leftmost placement, unchanged base first): chr8-38429868-GCAGCCGA-G. GRCh37 (hg19) VCF-style: chr8-38287386-GCAGCCGA-G.
Other names: c.161_167delGCTGTCG, p.Arg56Glyfs (NM_000604.2, NM_023110.2); c.165_171del, p.Arg56fs (NM_001174063.2, NM_001174065.2, NM_001354367.2 and 3 more transcripts); c.141_147del, p.Arg48fs (NM_001174064.2); c.264_270del, p.Arg89fs (NM_001174067.2); c.92-1440_92-1434del (NM_001354368.2, NM_001354370.2, NM_023106.3 and 2 more transcripts); short protein forms R48fs, R56fs, R89fs.
Identifiers: ClinVar variation 2505374 (VCV002505374.1), dbSNP rs2537268171, ClinGen allele CA2580614333.

ClinVar aggregate classification (germline): Pathogenic (1 of 4 stars; one submission).

Conditions:
Hypogonadotropic hypogonadism 2 with or without anosmia (HH2). Also called: FGFR1-Related GnRH Deficiency (Kallmann Syndrome 2); HYPOGONADOTROPIC HYPOGONADISM 2 WITHOUT ANOSMIA; HYPOGONADOTROPIC HYPOGONADISM 2 WITH OR WITHOUT ANOSMIA, SUSCEPTIBILITY TO; HYPOGONADOTROPIC HYPOGONADISM 2 WITHOUT ANOSMIA, SUSCEPTIBILITY TO. Identifiers: Orphanet 478, MedGen C1563720, MONDO:0007844, OMIM 147950. Disease mechanism: loss of function.

Submission:

Reproductive Endocrine Unit, Massachusetts General Hospital
Classification: Pathogenic for Hypogonadotropic hypogonadism 2 with or without anosmia. Last evaluated: 2023-05-04. Review status: criteria provided, single submitter. Criteria: ACMG Guidelines, 2015. Collection method: research. Allele origin: inherited. Affected: yes. Observed: 2 variant alleles.
Comment: The variant NM_023110.2:c.165_171del, p.(Arg56Glyfs*45) het has been classified as P1c based on the variant meeting the following ACMG Criteria: PVS1,PM2, PP1,PP3.